The following is an entry in ClinVar:

ClinVar aggregate classification (germline): Uncertain significance (1 of 4 stars; one submission).

gnomAD v4.1: 13 of 1,614,200 alleles (0.00081%); highest among the groups gnomAD compares: Non-Finnish European, 0.001%; no homozygotes.

Submission:

Labcorp Genetics (formerly Invitae), Labcorp
Classification: Uncertain significance. Last evaluated: 2023-10-28. Review status: criteria provided, single submitter. Criteria: Invitae Variant Classification Sherloc (09022015). Collection method: clinical testing. Allele origin: germline.
Comment: This sequence change replaces arginine, which is basic and polar, with glutamine, which is neutral and polar, at codon 243 of the SLC16A1 protein (p.Arg243Gln). This variant is present in population databases (rs763252522, gnomAD 0.002%). This variant has not been reported in the literature in individuals affected with SLC16A1-related conditions. Algorithms developed to predict the effect of missense changes on protein structure and function output the following: SIFT: "Not Available"; PolyPhen-2: "Benign"; Align-GVGD: "Not Available". The glutamine amino acid residue is found in multiple mammalian species, which suggests that this missense change does not adversely affect protein function. In summary, the available evidence is currently insufficient to determine the role of this variant in disease. Therefore, it has been classified as a Variant of Uncertain Significance.

NM_003051.4(SLC16A1):c.728G>A (p.Arg243Gln)

Gene: SLC16A1 (solute carrier family 16 member 1; minus strand). Cytogenetic location: 1p13.2.
Variant type: single nucleotide variant.
Coding change: c.728G>A on transcript NM_003051.4 (MANE Select); coding-DNA position 728, G replaced by A.
Protein change: p.Arg243Gln; replaces arginine 243 with glutamine.
Molecular consequence: missense variant.
Genome position (GRCh38, 1-based): chr1:112,917,678, C>T on the plus strand (G>A on the coding strand, the complement: SLC16A1 is on the minus strand). VCF-style: chr1-112917678-C-T. GRCh37 (hg19) VCF-style: chr1-113460300-C-T.
Other names: c.728G>A, p.Arg243Gln (NM_001166496.2); short protein forms R243Q.
Identifiers: ClinVar variation 2788314 (VCV002788314.3), dbSNP rs763252522, ClinGen allele CA29390956.